The following is an entry in ClinVar:

NM_052947.4(ALPK2):c.2722G>A (p.Gly908Arg)

Gene: ALPK2 (alpha kinase 2; minus strand). Cytogenetic location: 18q21.31.
Variant type: single nucleotide variant.
Coding change: c.2722G>A on transcript NM_052947.4 (MANE Select); coding-DNA position 2722, G replaced by A.
Protein change: p.Gly908Arg; replaces glycine 908 with arginine.
Molecular consequence: missense variant.
Genome position (GRCh38, 1-based): chr18:58,537,465, C>T on the plus strand (G>A on the coding strand, the complement: ALPK2 is on the minus strand). VCF-style: chr18-58537465-C-T. GRCh37 (hg19) VCF-style: chr18-56204697-C-T.
Other names: short protein forms G908R.
Identifiers: ClinVar variation 2626001 (VCV002626001.2), dbSNP rs2051658135, ClinGen allele CA402569925.

ClinVar aggregate classification (germline): Uncertain significance (1 of 4 stars; one submission).

Submission:

Ambry Genetics
Classification: Uncertain significance. Last evaluated: 2023-07-23. Review status: criteria provided, single submitter. Criteria: Ambry Variant Classification Scheme 2023. Collection method: clinical testing. Allele origin: germline.
Comment: The p.G908R variant (also known as c.2722G>A), located in coding exon 4 of the ALPK2 gene, results from a G to A substitution at nucleotide position 2722. The glycine at codon 908 is replaced by arginine, an amino acid with dissimilar properties. This amino acid position is conserved. In addition, this alteration is predicted to be tolerated by in silico analysis. Since supporting evidence is limited at this time, the clinical significance of this alteration remains unclear.